The following is an entry in ClinVar:

ClinVar aggregate classification (germline): Conflicting classifications of pathogenicity. Review status: criteria provided, conflicting classifications (1 of 4 stars). 2 submissions from 2 submitters: Uncertain significance (1); Likely benign (1). Last evaluated 2024-09-20.

Conditions:
Inborn genetic diseases. Identifiers: MedGen C0950123, MeSH D030342.
Neurodevelopmental disorder with regression, abnormal movements, loss of speech, and seizures. Identifiers: Orphanet 597623, MedGen C4748127, MONDO:0060759, OMIM 618088.

Submissions (2):

3billion
Classification: Likely benign for Neurodevelopmental disorder with regression, abnormal movements, loss of speech, and seizures. Last evaluated: 2024-09-20. Review status: criteria provided, single submitter. Criteria: ACMG Guidelines, 2015. Collection method: clinical testing. Allele origin: germline. Affected: no.
Comment: The variant was identified in at least one patient who was diagnosed with a different variant in another gene and showed no symptoms related to the gene containing the variant in question.

Ambry Genetics
Classification: Uncertain significance for Inborn genetic diseases. Last evaluated: 2023-04-25. Review status: criteria provided, single submitter. Criteria: Ambry Variant Classification Scheme 2023. Collection method: clinical testing. Allele origin: germline.

NM_024496.4(IRF2BPL):c.647C>T (p.Pro216Leu)

Gene: IRF2BPL (interferon regulatory factor 2 binding protein like; minus strand). Cytogenetic location: 14q24.3.
Variant type: single nucleotide variant.
Coding change: c.647C>T on transcript NM_024496.4 (MANE Select); coding-DNA position 647, C replaced by T.
Protein change: p.Pro216Leu; replaces proline 216 with leucine.
Molecular consequence: missense variant.
Genome position (GRCh38, 1-based): chr14:77,027,146, G>A on the plus strand (C>T on the coding strand, the complement: IRF2BPL is on the minus strand). VCF-style: chr14-77027146-G-A. GRCh37 (hg19) VCF-style: chr14-77493489-G-A.
Other names: short protein forms P216L.
Identifiers: ClinVar variation 2540250 (VCV002540250.3), dbSNP rs1594797693, ClinGen allele CA390498916.